The following is an entry in ClinVar:

NM_002878.4(RAD51D):c.148_157del (p.Ala49_Leu50insTer)

Genes: RAD51D (RAD51 paralog D; minus strand), RAD51L3-RFFL (RAD51L3-RFFL readthrough; minus strand). Cytogenetic location: 17q12.
Variant type: Deletion.
Coding change: c.148_157del on transcript NM_002878.4 (MANE Select); coding-DNA positions 148 to 157, 10 bases deleted (CTGGTTGCCC; older notation c.148_157delCTGGTTGCCC).
Protein change: p.Ala49_Leu50insTer.
Molecular consequence: nonsense. On other transcripts: intron variant (2).
Genome position (GRCh38, 1-based): chr17:35,118,607-35,118,616, GGGCAACCAG deleted on the plus strand (CTGGTTGCCC on the coding strand, the reverse complement: RAD51D is on the minus strand); deleting any 10 consecutive bases within chr17:35,118,607-35,118,618 gives the same sequence; the c. name uses the placement nearest the transcript's 3' end. VCF-style (leftmost placement, unchanged base first): chr17-35118606-AGGGCAACCAG-A. GRCh37 (hg19) VCF-style: chr17-33445625-AGGGCAACCAG-A.
Other names: c.144+495_144+504del (NM_133629.3, NM_001142571.2).
Identifiers: ClinVar variation 2028792 (VCV002028792.4), dbSNP rs2509182483, ClinGen allele CA2580093226.

ClinVar aggregate classification (germline): Pathogenic (1 of 4 stars; one submission).

Conditions:
Breast-ovarian cancer, familial, susceptibility to, 4. Identifiers: Orphanet 145, MedGen C3280345, MONDO:0013669, OMIM 614291.

Submission:

Labcorp Genetics (formerly Invitae), Labcorp
Classification: Pathogenic for Breast-ovarian cancer, familial, susceptibility to, 4. Last evaluated: 2022-09-03. Review status: criteria provided, single submitter. Criteria: Invitae Variant Classification Sherloc (09022015). Collection method: clinical testing. Allele origin: germline.
Comment: For these reasons, this variant has been classified as Pathogenic. This variant has not been reported in the literature in individuals affected with RAD51D-related conditions. This variant is not present in population databases (gnomAD no frequency). This sequence change creates a premature translational stop signal (p.Leu50*) in the RAD51D gene. It is expected to result in an absent or disrupted protein product. Loss-of-function variants in RAD51D are known to be pathogenic (PMID: 21822267).

Literature cited by the submitters: PubMed 21822267.